The following is an entry in ClinVar:

ClinVar aggregate classification (germline): Uncertain significance (1 of 4 stars; one submission).

Conditions:
Progressive myositis ossificans (FOP). Also called: Fibrodysplasia Ossificans Progressiva; Myositis ossificans progressiva; Progressive ossifying myositis. Identifiers: Orphanet 337, MedGen C0016037, MONDO:0007606, OMIM 135100.

Submission:

Illumina Laboratory Services, Illumina
Classification: Uncertain significance for Progressive myositis ossificans. Last evaluated: 2020-02-18. Review status: criteria provided, single submitter. Criteria: ICSLVariantClassificationCriteria RUGD 01 April 2020. Collection method: clinical testing. Allele origin: unknown.
Comment: The ACVR1 c.1073C>A (p.Ala358Glu) variant is a missense variant. A literature search was performed for the gene, cDNA change, and amino acid change. No publications were found based on this search. This variant is not found in the Genome Aggregation Database in a region of good sequence coverage, so the variant is presumed to be rare. The p.Ala358Glu variant occurs at a highly conserved residue in the protein kinase domain and in silico predictions suggest that its consequences are damaging, however this has not been evaluated experimentally. Based on the limited evidence, the p.Ala358Glu variant is classified as a variant of unknown significance for fibrodysplasia ossificans progressiva.

NM_001111067.4(ACVR1):c.1073C>A (p.Ala358Glu)

Gene: ACVR1 (activin A receptor type 1; minus strand). Cytogenetic location: 2q24.1.
Variant type: single nucleotide variant.
Coding change: c.1073C>A on transcript NM_001111067.4 (MANE Select); coding-DNA position 1073, C replaced by A.
Protein change: p.Ala358Glu; replaces alanine 358 with glutamic acid.
Molecular consequence: missense variant.
Genome position (GRCh38, 1-based): chr2:157,761,071, G>T on the plus strand (C>A on the coding strand, the complement: ACVR1 is on the minus strand). VCF-style: chr2-157761071-G-T. GRCh37 (hg19) VCF-style: chr2-158617583-G-T.
Other names: c.1073C>A, p.Ala358Glu (NM_001105.5, NM_001347663.1, NM_001347664.1 and 3 more transcripts); short protein forms A358E.
Identifiers: ClinVar variation 973273 (VCV000973273.4), dbSNP rs1685632115, ClinGen allele CA349189704.